The following is an entry in ClinVar:

NM_032578.4(MYPN):c.3635T>A (p.Ile1212Asn)

Gene: MYPN (myopalladin; plus strand). Cytogenetic location: 10q21.3.
Variant type: single nucleotide variant.
Coding change: c.3635T>A on transcript NM_032578.4 (MANE Select); coding-DNA position 3635, T replaced by A.
Protein change: p.Ile1212Asn; replaces isoleucine 1212 with asparagine.
Molecular consequence: missense variant. On other transcripts: non-coding transcript variant (2).
Genome position (GRCh38, 1-based): chr10:68,201,970, T>A. VCF-style: chr10-68201970-T-A. GRCh37 (hg19) VCF-style: chr10-69961727-T-A.
Other names: c.3635T>A, p.Ile1212Asn (NM_001256267.2); c.2753T>A, p.Ile918Asn (NM_001256268.2); short protein forms I1212N, I918N.
Identifiers: ClinVar variation 2449130 (VCV002449130.2), dbSNP rs2495986908, ClinGen allele CA376860318.
Genomic context (GRCh38, chr10:68,201,970, plus strand): 5'-AGTGCCGCGTGATAGGCATGCCCCCACCTGTGTTCTACTGGAAGAAAGACAATGAGACCA[T>A]CCCTTGCACCAGAGAGAGGATCAGGTACAGCAGCCACCACATCCAGAGGGACTCCCACTC-3'
Protein context (NP_115967.2, residues 1202-1222): VFYWKKDNET[Ile1212Asn]PCTRERISMH

ClinVar aggregate classification (germline): Uncertain significance (1 of 4 stars; one submission).

Conditions:
Cardiovascular phenotype. Identifiers: MedGen CN230736.

Submission:

Ambry Genetics
Classification: Uncertain significance for Cardiovascular phenotype. Last evaluated: 2022-12-29. Review status: criteria provided, single submitter. Criteria: Ambry Variant Classification Scheme 2023. Collection method: clinical testing. Allele origin: germline.
Comment: The p.I1212N variant (also known as c.3635T>A), located in coding exon 17 of the MYPN gene, results from a T to A substitution at nucleotide position 3635. The isoleucine at codon 1212 is replaced by asparagine, an amino acid with dissimilar properties. This amino acid position is conserved. In addition, the in silico prediction for this alteration is inconclusive. Since supporting evidence is limited at this time, the clinical significance of this alteration remains unclear.